The following is an entry in ClinVar:

ClinVar aggregate classification (germline): Uncertain significance (1 of 4 stars; one submission).

gnomAD v4.1: 5 of 1,613,632 alleles (0.00031%); highest among the groups gnomAD compares: Middle Eastern, 0.033%; no homozygotes.

Submission:

Labcorp Genetics (formerly Invitae), Labcorp
Classification: Uncertain significance. Last evaluated: 2025-09-19. Review status: criteria provided, single submitter. Criteria: Invitae Variant Classification Sherloc (09022015). Collection method: clinical testing. Allele origin: germline.
Comment: This sequence change replaces proline, which is neutral and non-polar, with arginine, which is basic and polar, at codon 687 of the WHRN protein (p.Pro687Arg). This variant is not present in population databases (gnomAD no frequency). This variant has not been reported in the literature in individuals affected with WHRN-related conditions. An algorithm developed to predict the effect of missense changes on protein structure and function (PolyPhen-2) suggests that this variant is likely to be disruptive. In summary, the available evidence is currently insufficient to determine the role of this variant in disease. Therefore, it has been classified as a Variant of Uncertain Significance.

NM_015404.4(WHRN):c.2060C>G (p.Pro687Arg)

Gene: WHRN (whirlin; minus strand). Cytogenetic location: 9q32.
Variant type: single nucleotide variant.
Coding change: c.2060C>G on transcript NM_015404.4 (MANE Select); coding-DNA position 2060, C replaced by G.
Protein change: p.Pro687Arg; replaces proline 687 with arginine.
Molecular consequence: missense variant.
Genome position (GRCh38, 1-based): chr9:114,406,531, G>C on the plus strand (C>G on the coding strand, the complement: WHRN is on the minus strand). VCF-style: chr9-114406531-G-C. GRCh37 (hg19) VCF-style: chr9-117168811-G-C.
Other names: c.911C>G, p.Pro304Arg (NM_001083885.3); c.2060C>G, p.Pro687Arg (NM_001173425.2); c.1007C>G, p.Pro336Arg (NM_001346890.1); short protein forms P336R, P687R, P304R.
Identifiers: ClinVar variation 4768897 (VCV004768897.1).